The following is an entry in ClinVar:

NM_000435.3(NOTCH3):c.6214C>T (p.Leu2072=)

Gene: NOTCH3 (notch receptor 3; minus strand). Cytogenetic location: 19p13.12.
Variant type: single nucleotide variant.
Coding change: c.6214C>T on transcript NM_000435.3 (MANE Select); coding-DNA position 6214, C replaced by T.
Protein change: p.Leu2072=; no amino-acid change (leucine 2072 retained).
Molecular consequence: synonymous variant.
Genome position (GRCh38, 1-based): chr19:15,161,414, G>A on the plus strand (C>T on the coding strand, the complement: NOTCH3 is on the minus strand). VCF-style: chr19-15161414-G-A. GRCh37 (hg19) VCF-style: chr19-15272225-G-A.
Identifiers: ClinVar variation 4874895 (VCV004874895.2).
Genomic context (GRCh38, chr19:15,161,414, plus strand): 5'-GGGGGCCCGGGCAGGCCAGCGTCAGCTTCTTGCCCCGCCCCCGGGGCCCCTGCGGCCCCA[G>A]CCCCGCCTTCCCGGGGGGCCTCCTGCTCTTCTTGGACCCCGACTGTGCCGCTTTGAGGCC-3'
Protein context (NP_000426.2, residues 2062-2082): KSRRPPGKAG[Leu2072=]GPQGPRGRGK

ClinVar aggregate classification (germline): Likely benign (1 of 4 stars; one submission).

gnomAD v4.1: 1 of 1,528,898 alleles (0.000065%); no homozygotes.

Submission:

CeGaT Center for Human Genetics Tuebingen
Classification: Likely benign. Last evaluated: 2026-05-01. Review status: criteria provided, single submitter. Criteria: CeGaT Center For Human Genetics Tuebingen Variant Classification Criteria Version 2. Collection method: clinical testing. Allele origin: germline. Affected: yes. Observed: 1 variant allele.
Comment: NOTCH3: BP4, BP7